The following is an entry in ClinVar:

ClinVar aggregate classification (germline): Uncertain significance (1 of 4 stars; one submission).

Conditions:
Melanoma, cutaneous malignant, susceptibility to, 5. Also called: Cutaneous malignant melanoma 5. Identifiers: Orphanet 618, MedGen C2751295, MONDO:0013133, OMIM 613099.

gnomAD v4.1: 1 of 1,608,578 alleles (0.000062%); highest among the groups gnomAD compares: Non-Finnish European, 0.000085%; no homozygotes.

Submission:

Labcorp Genetics (formerly Invitae), Labcorp
Classification: Uncertain significance for Melanoma, cutaneous malignant, susceptibility to, 5. Last evaluated: 2022-03-26. Review status: criteria provided, single submitter. Criteria: Invitae Variant Classification Sherloc (09022015). Collection method: clinical testing. Allele origin: germline.
Comment: In summary, the available evidence is currently insufficient to determine the role of this variant in disease. Therefore, it has been classified as a Variant of Uncertain Significance. Algorithms developed to predict the effect of missense changes on protein structure and function are either unavailable or do not agree on the potential impact of this missense change (SIFT: "Deleterious"; PolyPhen-2: "Benign"; Align-GVGD: "Class C65"). This missense change has been observed in individual(s) with melanoma (PMID: 24660985). This variant is present in population databases (rs374827260, gnomAD 0.0009%). This sequence change replaces aspartic acid, which is acidic and polar, with glycine, which is neutral and non-polar, at codon 117 of the MC1R protein (p.Asp117Gly).

Literature cited by the submitters: PubMed 24660985.

NM_002386.4(MC1R):c.350A>G (p.Asp117Gly)

Gene: MC1R (melanocortin 1 receptor; plus strand). Cytogenetic location: 16q24.3.
Variant type: single nucleotide variant.
Coding change: c.350A>G on transcript NM_002386.4 (MANE Select); coding-DNA position 350, A replaced by G.
Protein change: p.Asp117Gly; replaces aspartic acid 117 with glycine.
Molecular consequence: missense variant.
Genome position (GRCh38, 1-based): chr16:89,919,608, A>G. VCF-style: chr16-89919608-A-G. GRCh37 (hg19) VCF-style: chr16-89986016-A-G.
Other names: short protein forms D117G.
Identifiers: ClinVar variation 2137866 (VCV002137866.4), dbSNP rs374827260, ClinGen allele CA8255567.